The following is an entry in ClinVar:

NM_014243.3(ADAMTS3):c.661+7G>A

Gene: ADAMTS3 (ADAM metallopeptidase with thrombospondin type 1 motif 3; minus strand). Cytogenetic location: 4q13.3.
Variant type: single nucleotide variant.
Coding change: c.661+7G>A on transcript NM_014243.3 (MANE Select); 7 bases into the intron after coding-DNA position 661, G replaced by A.
Molecular consequence: intron variant.
Genome position (GRCh38, 1-based): chr4:72,414,808, C>T on the plus strand (G>A on the coding strand, the complement: ADAMTS3 is on the minus strand). VCF-style: chr4-72414808-C-T. GRCh37 (hg19) VCF-style: chr4-73280525-C-T.
Identifiers: ClinVar variation 780467 (VCV000780467.7), dbSNP rs72852050, ClinGen allele CA2957201.

ClinVar aggregate classification (germline): Benign/Likely benign. Review status: criteria provided, multiple submitters, no conflicts (2 of 4 stars). 3 submissions from 3 submitters: Benign (1); Likely benign (1). 1 of the submissions does not count toward it. Last evaluated 2021-11-29.

Conditions:
ADAMTS3-related disorder. Also called: ADAMTS3-related condition.
Hennekam lymphangiectasia-lymphedema syndrome 3. Identifiers: MedGen C4748408, MONDO:0032564, OMIM 618154.

Allele frequency attached by ClinVar (database versions not stated): gnomAD exomes 0.00053 and 0.00188; ExAC 0.00243; gnomAD 0.00609 and 0.00624; TOPMed 0.00702; ESP Exome Variant Server 0.00800; 1000 Genomes Project 0.01138; 1000 Genomes Project 30x 0.01156.
gnomAD v4.1: 1,622 of 1,406,846 alleles (0.12%); highest among the groups gnomAD compares: African/African-American, 2.1%; 26 homozygotes.

Submissions (3):

Fulgent Genetics
Classification: Likely benign for Hennekam lymphangiectasia-lymphedema syndrome 3. Last evaluated: 2021-11-29. Review status: criteria provided, single submitter. Criteria: ACMG Guidelines, 2015. Collection method: clinical testing. Allele origin: unknown.

Labcorp Genetics (formerly Invitae), Labcorp
Classification: Benign. Last evaluated: 2019-12-31. Review status: criteria provided, single submitter. Criteria: Invitae Variant Classification Sherloc (09022015). Collection method: clinical testing. Allele origin: germline.

PreventionGenetics, part of Exact Sciences
Classification: Benign for ADAMTS3-related condition. Last evaluated: 2019-08-09. Review status: no assertion criteria provided. Collection method: clinical testing. Allele origin: germline. Not counted in ClinVar's aggregate classification.
Comment: This variant is classified as benign based on ACMG/AMP sequence variant interpretation guidelines (Richards et al. 2015 PMID: 25741868, with internal and published modifications).